The following is an entry in ClinVar:

NM_002103.5(GYS1):c.1615G>A (p.Glu539Lys)

Genes: GYS1 (glycogen synthase 1; minus strand), LOC119369037 (CRISPRi-FlowFISH-validated FTL regulatory element 4; plus strand). Cytogenetic location: 19q13.33.
Variant type: single nucleotide variant.
Coding change: c.1615G>A on transcript NM_002103.5 (MANE Select); coding-DNA position 1615, G replaced by A.
Protein change: p.Glu539Lys; replaces glutamic acid 539 with lysine.
Molecular consequence: missense variant. On other transcripts: non-coding transcript variant (1).
Genome position (GRCh38, 1-based): chr19:48,970,958, C>T on the plus strand (G>A on the coding strand, the complement: GYS1 is on the minus strand). VCF-style: chr19-48970958-C-T. GRCh37 (hg19) VCF-style: chr19-49474215-C-T.
Other names: c.1423G>A, p.Glu475Lys (NM_001161587.2); short protein forms E539K, E475K.
Identifiers: ClinVar variation 329810 (VCV000329810.20), dbSNP rs561646250, ClinGen allele CA9562890.

ClinVar aggregate classification (germline): Benign. Review status: criteria provided, multiple submitters, no conflicts (2 of 4 stars). 3 submissions from 3 submitters: Benign (2). 1 of the submissions does not count toward it. Last evaluated 2026-01-18.

Conditions:
GYS1-related disorder. Also called: GYS1-related condition.
Glycogen storage disease due to muscle and heart glycogen synthase deficiency. Also called: GSD 0b; MUSCLE GLYCOGEN SYNTHASE DEFICIENCY. Identifiers: Orphanet 137625, MedGen C1969054, MONDO:0012693, OMIM 611556.

Allele frequency attached by ClinVar (database versions not stated): TOPMed 0.00018; 1000 Genomes Project 0.00040; 1000 Genomes Project 30x 0.00047.

Submissions (3):

Labcorp Genetics (formerly Invitae), Labcorp
Classification: Benign for Glycogen storage disease due to muscle and heart glycogen synthase deficiency. Last evaluated: 2026-01-18. Review status: criteria provided, single submitter. Criteria: Invitae Variant Classification Sherloc (09022015). Collection method: clinical testing. Allele origin: germline.

GeneDx
Classification: Benign. Last evaluated: 2020-02-07. Review status: criteria provided, single submitter. Criteria: GeneDx Variant Classification Process June 2021. Collection method: clinical testing. Allele origin: germline. Affected: yes.

PreventionGenetics, part of Exact Sciences
Classification: Likely benign for GYS1-related condition. Last evaluated: 2019-06-27. Review status: no assertion criteria provided. Collection method: clinical testing. Allele origin: germline. Not counted in ClinVar's aggregate classification.
Comment: This variant is classified as likely benign based on ACMG/AMP sequence variant interpretation guidelines (Richards et al. 2015 PMID: 25741868, with internal and published modifications).